The following is an entry in ClinVar:

ClinVar aggregate classification (germline): Uncertain significance. Review status: criteria provided, multiple submitters, no conflicts (2 of 4 stars). 4 submissions from 4 submitters: Uncertain significance (3). 1 of the submissions does not count toward it. Last evaluated 2024-02-05.

Conditions:
Inborn genetic diseases. Identifiers: MedGen C0950123, MeSH D030342.
Congenital disorder of deglycosylation (CDDG). Identifiers: MedGen C3808991, MONDO:0031376.

Allele frequency attached by ClinVar (database versions not stated): ExAC 0.00001; gnomAD 0.00001; gnomAD exomes 0.00001; TOPMed 0.00002.

Submissions (4):

GeneDx
Classification: Uncertain significance. Last evaluated: 2024-02-05. Review status: criteria provided, single submitter. Criteria: GeneDx Variant Classification Process June 2021. Collection method: clinical testing. Allele origin: germline. Affected: yes.
Comment: Not observed at a significant frequency in large population cohorts (gnomAD); In silico analysis supports that this missense variant has a deleterious effect on protein structure/function; Has not been previously published as pathogenic or benign to our knowledge

Labcorp Genetics (formerly Invitae), Labcorp
Classification: Uncertain significance for Congenital disorder of deglycosylation. Last evaluated: 2022-06-22. Review status: criteria provided, single submitter. Criteria: Invitae Variant Classification Sherloc (09022015). Collection method: clinical testing. Allele origin: germline.
Comment: This sequence change replaces proline, which is neutral and non-polar, with leucine, which is neutral and non-polar, at codon 199 of the NGLY1 protein (p.Pro199Leu). The frequency data for this variant in the population databases is considered unreliable, as metrics indicate poor data quality at this position in the gnomAD database. This variant has not been reported in the literature in individuals affected with NGLY1-related conditions. ClinVar contains an entry for this variant (Variation ID: 417960). Algorithms developed to predict the effect of missense changes on protein structure and function are either unavailable or do not agree on the potential impact of this missense change (SIFT: "Deleterious"; PolyPhen-2: "Probably Damaging"; Align-GVGD: "Class C15"). In summary, the available evidence is currently insufficient to determine the role of this variant in disease. Therefore, it has been classified as a Variant of Uncertain Significance.

Ambry Genetics
Classification: Uncertain significance for Inborn genetic diseases. Last evaluated: 2021-04-28. Review status: criteria provided, single submitter. Criteria: Ambry Variant Classification Scheme 2023. Collection method: clinical testing. Allele origin: germline.
Comment: The c.596C>T (p.P199L) alteration is located in exon 4 (coding exon 4) of the NGLY1 gene. This alteration results from a C to T substitution at nucleotide position 596, causing the proline (P) at amino acid position 199 to be replaced by a leucine (L). The in silico prediction for the p.P199L alteration is inconclusive. Based on insufficient or conflicting evidence, the clinical significance of this alteration remains unclear.

Division of Human Genetics, Children's Hospital of Philadelphia
Classification: Uncertain significance for Congenital disorder of deglycosylation 1. Last evaluated: 2016-08-11. Review status: no assertion criteria provided. Collection method: research. Allele origin: paternal. Affected: yes. Study: CSER-PediSeq. Not counted in ClinVar's aggregate classification.

NM_018297.4(NGLY1):c.596C>T (p.Pro199Leu)

Gene: NGLY1 (N-glycanase 1; minus strand). Cytogenetic location: 3p24.2.
Variant type: single nucleotide variant.
Coding change: c.596C>T on transcript NM_018297.4 (MANE Select); coding-DNA position 596, C replaced by T.
Protein change: p.Pro199Leu; replaces proline 199 with leucine.
Molecular consequence: missense variant.
Genome position (GRCh38, 1-based): chr3:25,751,160, G>A on the plus strand (C>T on the coding strand, the complement: NGLY1 is on the minus strand). VCF-style: chr3-25751160-G-A. GRCh37 (hg19) VCF-style: chr3-25792651-G-A.
Other names: c.596C>T, p.Pro199Leu (NM_001145293.2, NM_001145295.2); c.470C>T, p.Pro157Leu (NM_001145294.2); short protein forms P157L, P199L.
Identifiers: ClinVar variation 417960 (VCV000417960.8), dbSNP rs760530009, ClinGen allele CA2289439.
Genomic context (GRCh38, chr3:25,751,160, plus strand): 5'-TTATCCAATTTTCTAGCTCTCGATAACTTTTCTTGTGATTTCCTTTTTAGTTCTTGGACC[G>A]GAATACAAGCCAACGCTTTCTCCTGAAGAGCAGGATTTTCATAGACCAGCACATGCTGAA-3'
Protein context (NP_060767.2, residues 189-209): ALQEKALACI[Pro199Leu]VQELKRKSQE